The following is an entry in ClinVar:

NM_153033.5(KCTD7):c.250C>T (p.Arg84Trp)

Gene: KCTD7 (potassium channel tetramerization domain containing 7; plus strand). Cytogenetic location: 7q11.21.
Variant type: single nucleotide variant.
Coding change: c.250C>T on transcript NM_153033.5 (MANE Select); coding-DNA position 250, C replaced by T.
Protein change: p.Arg84Trp; replaces arginine 84 with tryptophan.
Molecular consequence: missense variant.
Genome position (GRCh38, 1-based): chr7:66,633,380, C>T. VCF-style: chr7-66633380-C-T. GRCh37 (hg19) VCF-style: chr7-66098367-C-T.
Other names: c.250C>T, p.Arg84Trp (NM_001167961.2); short protein forms R84W.
Identifiers: ClinVar variation 469102 (VCV000469102.9), dbSNP rs754476100, ClinGen allele CA4278209.

ClinVar aggregate classification (germline): Conflicting classifications of pathogenicity. Review status: criteria provided, conflicting classifications (1 of 4 stars). 3 submissions from 3 submitters: Likely pathogenic (1); Uncertain significance (2). Last evaluated 2024-12-16.

Conditions:
Progressive myoclonic epilepsy type 3. Also called: EPILEPSY, PROGRESSIVE MYOCLONIC, 3, WITH OR WITHOUT INTRACELLULAR INCLUSIONS; CEROID LIPOFUSCINOSIS, NEURONAL, 14; KCTD7-Related Progressive Myoclonic Epilepsy; EPILEPSY, PROGRESSIVE MYOCLONIC, 3, WITHOUT INTRACELLULAR INCLUSIONS. Identifiers: Orphanet 263516, MedGen C2673257, MONDO:0012721, OMIM 611726.

Allele frequency attached by ClinVar (database versions not stated): gnomAD exomes below 0.00001 and 0.00001; ExAC 0.00001; TOPMed 0.00001.
gnomAD v4.1: 8 of 1,614,020 alleles (0.0005%); highest among the groups gnomAD compares: Admixed American, 0.0033%; no homozygotes.

Submissions (3):

Women's Health and Genetics/Laboratory Corporation of America, LabCorp
Classification: Uncertain significance. Last evaluated: 2024-12-16. Review status: criteria provided, single submitter. Criteria: LabCorp Variant Classification Summary - May 2015. Collection method: clinical testing. Allele origin: germline.
Comment: Variant summary: KCTD7 c.250C>T (p.Arg84Trp) results in a non-conservative amino acid change located in the Potassium channel tetramerisation-type BTB domain (IPR003131) of the encoded protein sequence. Four of five in-silico tools predict a damaging effect of the variant on protein function. The variant allele was found at a frequency of 8e-06 in 251448 control chromosomes. The available data on variant occurrences in the general population are insufficient to allow any conclusion about variant significance. c.250C>T has been reported in the literature in at least one compound heterozygous individual affected with Acute onset Myoclonus and Ataxia (Blumkin_2012). These data do not allow any conclusion about variant significance. To our knowledge, no experimental evidence demonstrating an impact on protein function has been reported. The following publications have been ascertained in the context of this evaluation (PMID: 22638565, 35921411). ClinVar contains an entry for this variant (Variation ID: 469102). Based on the evidence outlined above, the variant was classified as uncertain significance.

Labcorp Genetics (formerly Invitae), Labcorp
Classification: Uncertain significance for Progressive myoclonic epilepsy type 3. Last evaluated: 2021-08-13. Review status: criteria provided, single submitter. Criteria: Invitae Variant Classification Sherloc (09022015). Collection method: clinical testing. Allele origin: germline.
Comment: This sequence change replaces arginine with tryptophan at codon 84 of the KCTD7 protein (p.Arg84Trp). The arginine residue is highly conserved and there is a moderate physicochemical difference between arginine and tryptophan. This variant is present in population databases (rs754476100, ExAC 0.001%). This missense change has been observed in individual(s) with opsoclonus-myoclonus ataxia like syndrome (PMID: 22638565). In at least one individual the data is consistent with the variant being in trans (on the opposite chromosome) from a pathogenic variant. Algorithms developed to predict the effect of missense changes on protein structure and function (SIFT, PolyPhen-2, Align-GVGD) all suggest that this variant is likely to be disruptive. In summary, the available evidence is currently insufficient to determine the role of this variant in disease. Therefore, it has been classified as a Variant of Uncertain Significance.

Human Genome Lab, NIMHANS, National Institute of Mental Health and Neuro Sciences
Classification: Likely pathogenic for Progressive myoclonic epilepsy type 3. Review status: criteria provided, single submitter. Criteria: ACMG Guidelines, 2015. Collection method: clinical testing. Allele origin: germline. Inheritance: Autosomal recessive inheritance. Affected: yes. Observed: 1 homozygote.
Comment: The missense variant NM_153033.5:c.250C>T; NP_694578.1:p.Arg84Trp causes a change at the same amino acid residue as a previously established pathogenic variant. The p.Arg84Trp variant is a previously reported ClinVar variant of uncertain significance Accession: VCV000469102.7. The p.Arg84Trp variant is novel (not in any individuals) in 1000 Genomes, as well as in our inhouse database . The p.Arg84Trp variant is observed in 1/33,582 (0.003%) alleles from individuals of gnomAD Latino background in gnomAD. There is a moderate physicochemical difference between arginine and tryptophan. The gene KCTD7 has a low rate of benign missense variation as indicated by a high missense variants Z-Score of 1.26. The gene KCTD7 contains 15 pathogenic missense variants, indicating that missense variants are a common mechanism of disease in this gene. The p.Arg84Trp missense variant is predicted to be damaging by both SIFT and PolyPhen2. The arginine residue at codon 84 of KCTD7 is conserved in all mammalian species. The nucleotide c.250 in KCTD7 is predicted conserved by GERP++ and PhyloP across 100 vertebrates. In addition, the patients phenotype matches with that of the disorder caused by pathogenic variants in KCTD7 gene. For these reasons, this variant has been classified as Likely Pathogenic (PM2 PP2 PP3 PM5 PM3 PP4_Moderate).

Literature cited by the submitters: PubMed 22638565 (cited by Women's Health and Genetics/Laboratory Corporation of America, LabCorp and Labcorp Genetics (formerly Invitae), Labcorp); PubMed 35921411 (cited by Women's Health and Genetics/Laboratory Corporation of America, LabCorp).